The following is an entry in ClinVar:

ClinVar aggregate classification (germline): Conflicting classifications of pathogenicity. Review status: criteria provided, conflicting classifications (1 of 4 stars). 2 submissions from 2 submitters: Likely pathogenic (1); Uncertain significance (1). Last evaluated 2024-12-19.

Conditions:
Epidermolysis bullosa simplex 7, with nephropathy and deafness. Also called: Nephrotic syndrome - deafness - pretibial epidermolysis bullosa syndrome; Nephropathy with Pretibial Epidermolysis Bullosa and Deafness. Identifiers: Orphanet 300333, MedGen C1836823, MONDO:0012190, OMIM 609057.

Submissions (2):

Genomic Medicine Center of Excellence, King Faisal Specialist Hospital and Research Centre
Classification: Likely pathogenic for Epidermolysis bullosa simplex 7, with nephropathy and deafness. Last evaluated: 2024-12-19. Review status: criteria provided, single submitter. Criteria: ACMG Guidelines, 2015. Collection method: clinical testing. Allele origin: germline.

Labcorp Genetics (formerly Invitae), Labcorp
Classification: Uncertain significance. Last evaluated: 2024-09-20. Review status: criteria provided, single submitter. Criteria: Invitae Variant Classification Sherloc (09022015). Collection method: clinical testing. Allele origin: germline.
Comment: This sequence change creates a premature translational stop signal (p.Tyr48Leufs*93) in the CD151 gene. It is expected to result in an absent or disrupted protein product. However, the current clinical and genetic evidence is not sufficient to establish whether loss-of-function variants in CD151 cause disease. This variant is not present in population databases (gnomAD no frequency). This variant has not been reported in the literature in individuals affected with CD151-related conditions. Algorithms developed to predict the effect of sequence changes on RNA splicing suggest that this variant may disrupt the consensus splice site. In summary, the available evidence is currently insufficient to determine the role of this variant in disease. Therefore, it has been classified as a Variant of Uncertain Significance.

NM_004357.5(CD151):c.142dup (p.Tyr48fs)

Gene: CD151 (CD151 molecule (Raph blood group); plus strand). Cytogenetic location: 11p15.5.
Variant type: Duplication.
Coding change: c.142dup on transcript NM_004357.5 (MANE Select); coding-DNA position 142, one base duplicated (T; older notation c.142dupT).
Protein change: p.Tyr48fs; shifts the reading frame from tyrosine 48.
Molecular consequence: frameshift variant.
Genome position (GRCh38, 1-based): chr11:836,308, T duplicated. VCF-style (leftmost placement, unchanged base first): chr11-836307-C-CT. GRCh37 (hg19) VCF-style: chr11-836307-C-CT.
Other names: c.142dup, p.Tyr48fs (NM_001039490.2, NM_139029.2, NM_139030.4); short protein forms Y48fs.
Identifiers: ClinVar variation 3393061 (VCV003393061.3).